The following is an entry in ClinVar:

NM_001042492.3(NF1):c.12C>A (p.His4Gln)

Genes: MIR4733HG (MIR4733 host gene; minus strand), NF1 (neurofibromin 1; plus strand), LOC111811965 (NF1 (neurofibromin 1) promoter region; plus strand). Cytogenetic location: 17q11.2.
Variant type: single nucleotide variant.
Coding change: c.12C>A on transcript NM_001042492.3 (MANE Select); coding-DNA position 12, C replaced by A.
Protein change: p.His4Gln; replaces histidine 4 with glutamine.
Molecular consequence: missense variant. On other transcripts: non-coding transcript variant (1).
Genome position (GRCh38, 1-based): chr17:31,095,321, C>A. VCF-style: chr17-31095321-C-A. GRCh37 (hg19) VCF-style: chr17-29422339-C-A.
Other names: c.12C>A, p.His4Gln (NM_000267.4, NM_001128147.3); short protein forms H4Q.
Identifiers: ClinVar variation 3634473 (VCV003634473.2).
Genomic context (GRCh38, chr17:31,095,321, plus strand): 5'-GGGCGCCGGCCCACCCTTCCCTCCGCCGCCCCCCGGCCGCGGGGAGGACATGGCCGCGCA[C>A]AGGCCGGTGGAATGGGTCCAGGCCGTGGTCAGCCGCTTCGACGAGCAGGTAACCGGCCCG-3'
Protein context (NP_001035957.1, residues 1-14): MAA[His4Gln]RPVEWVQAVV

ClinVar aggregate classification (germline): Uncertain significance (1 of 4 stars; one submission).

Conditions:
Neurofibromatosis, type 1 (NF1). Also called: VON RECKLINGHAUSEN DISEASE; Peripheral type neurofibromatosis; NEUROFIBROMATOSIS, TYPE I, SOMATIC; Neurofibromatosis, type I. Identifiers: Orphanet 636, MedGen C0027831, MONDO:0018975, OMIM 162200. Disease mechanism: loss of function.

Submission:

Labcorp Genetics (formerly Invitae), Labcorp
Classification: Uncertain significance for Neurofibromatosis, type 1. Last evaluated: 2026-01-14. Review status: criteria provided, single submitter. Criteria: Invitae Variant Classification Sherloc (09022015). Collection method: clinical testing. Allele origin: germline.
Comment: This sequence change replaces histidine, which is basic and polar, with glutamine, which is neutral and polar, at codon 4 of the NF1 protein (p.His4Gln). This variant is not present in population databases (gnomAD no frequency). This variant has not been reported in the literature in individuals affected with NF1-related conditions. ClinVar contains an entry for this variant (Variation ID: 3634473). Invitae Evidence Modeling of protein sequence and biophysical properties (such as structural, functional, and spatial information, amino acid conservation, physicochemical variation, residue mobility, and thermodynamic stability) indicates that this missense variant is not expected to disrupt NF1 protein function with a negative predictive value of 95%. In summary, the available evidence is currently insufficient to determine the role of this variant in disease. Therefore, it has been classified as a Variant of Uncertain Significance.